The following is an entry in ClinVar:

ClinVar aggregate classification (germline): Uncertain significance (1 of 4 stars; one submission).

Conditions:
Hereditary cancer-predisposing syndrome. Also called: Hereditary Cancer Syndrome; Neoplastic Syndromes, Hereditary; Tumor predisposition; Hereditary neoplastic syndrome. Identifiers: Orphanet 140162, MedGen C0027672, MeSH D009386, MONDO:0015356.

Submission:

Ambry Genetics
Classification: Uncertain significance for Hereditary cancer-predisposing syndrome. Last evaluated: 2024-08-02. Review status: criteria provided, single submitter. Criteria: Ambry Variant Classification Scheme 2023. Collection method: clinical testing. Allele origin: germline.
Comment: The p.K301T variant (also known as c.902A>C), located in coding exon 8 of the PMS2 gene, results from an A to C substitution at nucleotide position 902. The lysine at codon 301 is replaced by threonine, an amino acid with similar properties. This amino acid position is highly conserved in available vertebrate species. In addition, this alteration is predicted to be deleterious by in silico analysis. Based on the available evidence, the clinical significance of this variant remains unclear.

NM_000535.7(PMS2):c.902A>C (p.Lys301Thr)

Gene: PMS2 (PMS1 homolog 2, mismatch repair system component; minus strand). Cytogenetic location: 7p22.1.
Variant type: single nucleotide variant.
Coding change: c.902A>C on transcript NM_000535.7 (MANE Select); coding-DNA position 902, A replaced by C.
Protein change: p.Lys301Thr; replaces lysine 301 with threonine.
Molecular consequence: missense variant. On other transcripts: 5 prime UTR variant (2), non-coding transcript variant (1).
Genome position (GRCh38, 1-based): chr7:5,995,535, T>G on the plus strand (A>C on the coding strand, the complement: PMS2 is on the minus strand). VCF-style: chr7-5995535-T-G. GRCh37 (hg19) VCF-style: chr7-6035166-T-G.
Other names: c.497A>C, p.Lys166Thr (NM_001322003.2, NM_001322004.2, NM_001322005.2 and 2 more transcripts); c.902A>C, p.Lys301Thr (NM_001322006.2, NM_001322014.2); c.584A>C, p.Lys195Thr (NM_001322007.2, NM_001322008.2); c.-32A>C (NM_001322011.2, NM_001322012.2); c.329A>C, p.Lys110Thr (NM_001322013.2); c.593A>C, p.Lys198Thr (NM_001322015.2); short protein forms K301T, K198T, K195T, K166T, K110T.
Identifiers: ClinVar variation 480305 (VCV000480305.6), dbSNP rs1554300696, ClinGen allele CA366743400.
Genomic context (GRCh38, chr7:5,995,535, plus strand): 5'-GTTATCAATTAAAAGTCAAAGGCATAAAGAACAAACTAACACAAAAAAATTTTAAATACC[T>G]TTGCTGGGTCACAAGGCCGCCGGTTGATAAAGAAAAACTGTCTGTCTGTTGAACTCCTTC-3'
Protein context (NP_000526.2, residues 291-311): FINRRPCDPA[Lys301Thr]VCRLVNEVYH